The following is an entry in ClinVar:

NM_004036.5(ADCY3):c.3169C>T (p.Arg1057Trp)

Genes: ADCY3 (adenylate cyclase 3; minus strand), CENPO (centromere protein O; plus strand). Cytogenetic location: 2p23.3.
Variant type: single nucleotide variant.
Coding change: c.3169C>T on transcript NM_004036.5 (MANE Select); coding-DNA position 3169, C replaced by T.
Protein change: p.Arg1057Trp; replaces arginine 1057 with tryptophan.
Molecular consequence: missense variant. On other transcripts: 3 prime UTR variant (3), non-coding transcript variant (3).
Genome position (GRCh38, 1-based): chr2:24,820,807, G>A on the plus strand (C>T on the coding strand, the complement: ADCY3 is on the minus strand). VCF-style: chr2-24820807-G-A. GRCh37 (hg19) VCF-style: chr2-25043676-G-A.
Other names: c.3172C>T, p.Arg1058Trp (NM_001320613.2); c.3235C>T, p.Arg1079Trp (NM_001377128.1); c.3031C>T, p.Arg1011Trp (NM_001377129.1); c.2617C>T, p.Arg873Trp (NM_001377130.1); c.2446C>T, p.Arg816Trp (NM_001377131.1); c.3169C>T, p.Arg1057Trp (NM_001377132.1); c.*1489G>A (NM_001199803.3, NM_001322101.2, NM_024322.4); short protein forms R1011W, R1057W, R1058W, R1079W, R816W, R873W.
Identifiers: ClinVar variation 3345709 (VCV003345709.1).

ClinVar aggregate classification (germline): Uncertain significance (0 of 4 stars; one submission).

Conditions:
ADCY3-related disorder. Also called: ADCY3-related condition.

gnomAD v4.1: 7 of 1,613,870 alleles (0.00043%); highest among the groups gnomAD compares: African/African-American, 0.0013%; no homozygotes.

Submission:

PreventionGenetics, part of Exact Sciences
Classification: Uncertain significance for ADCY3-related condition. Last evaluated: 2024-03-27. Review status: no assertion criteria provided. Collection method: clinical testing. Allele origin: germline.
Comment: The ADCY3 c.3172C>T variant is predicted to result in the amino acid substitution p.Arg1058Trp. To our knowledge, this variant has not been reported in the literature. This variant is reported in 0.00088% of alleles in individuals of European (Non-Finnish) descent in gnomAD. At this time, the clinical significance of this variant is uncertain due to the absence of conclusive functional and genetic evidence.